The following is an entry in ClinVar:

ClinVar aggregate classification (germline): Conflicting classifications of pathogenicity. Review status: criteria provided, conflicting classifications (1 of 4 stars). 3 submissions from 3 submitters: Uncertain significance (2); Likely benign (1). Last evaluated 2025-05-02.

Conditions:
Inborn genetic diseases. Identifiers: MedGen C0950123, MeSH D030342.

Allele frequency attached by ClinVar (database versions not stated): 1000 Genomes Project 30x 0.00016; 1000 Genomes Project 0.00020.

Submissions (3):

Labcorp Genetics (formerly Invitae), Labcorp
Classification: Uncertain significance. Last evaluated: 2025-05-02. Review status: criteria provided, single submitter. Criteria: Invitae Variant Classification Sherloc (09022015). Collection method: clinical testing. Allele origin: germline.
Comment: This sequence change replaces arginine, which is basic and polar, with tryptophan, which is neutral and slightly polar, at codon 498 of the SETBP1 protein (p.Arg498Trp). This variant is present in population databases (rs548105094, gnomAD 0.006%). This variant has not been reported in the literature in individuals affected with SETBP1-related conditions. ClinVar contains an entry for this variant (Variation ID: 1439198). Invitae Evidence Modeling of protein sequence and biophysical properties (such as structural, functional, and spatial information, amino acid conservation, physicochemical variation, residue mobility, and thermodynamic stability) indicates that this missense variant is not expected to disrupt SETBP1 protein function with a negative predictive value of 80%. In summary, the available evidence is currently insufficient to determine the role of this variant in disease. Therefore, it has been classified as a Variant of Uncertain Significance.

CeGaT Center for Human Genetics Tuebingen
Classification: Uncertain significance. Last evaluated: 2022-02-01. Review status: criteria provided, single submitter. Criteria: CeGaT Center For Human Genetics Tuebingen Variant Classification Criteria Version 2. Collection method: clinical testing. Allele origin: germline. Affected: yes. Observed: 1 variant allele.

Ambry Genetics
Classification: Likely benign for Inborn genetic diseases. Last evaluated: 2021-09-01. Review status: criteria provided, single submitter. Criteria: Ambry Variant Classification Scheme 2023. Collection method: clinical testing. Allele origin: germline.

NM_015559.3(SETBP1):c.1492C>T (p.Arg498Trp)

Gene: SETBP1 (SET binding protein 1; plus strand). Cytogenetic location: 18q12.3.
Variant type: single nucleotide variant.
Coding change: c.1492C>T on transcript NM_015559.3 (MANE Select); coding-DNA position 1492, C replaced by T.
Protein change: p.Arg498Trp; replaces arginine 498 with tryptophan.
Molecular consequence: missense variant.
Genome position (GRCh38, 1-based): chr18:44,950,832, C>T. VCF-style: chr18-44950832-C-T. GRCh37 (hg19) VCF-style: chr18-42530797-C-T.
Other names: c.1492C>T (NM_015559.2); c.1492C>T, p.Arg498Trp (NM_001379141.1, NM_001379142.1); short protein forms R498W.
Identifiers: ClinVar variation 1439198 (VCV001439198.40), dbSNP rs548105094, ClinGen allele CA8945627.